The following is an entry in ClinVar:

NM_000719.7(CACNA1C):c.5445-578_5445-577insGACCCTGTCCCAGCAGGGAAAGGCACGTTCTGGTGTGTG

Genes: CACNA1C (calcium voltage-gated channel subunit alpha1 C; plus strand), CACNA1C-AS1 (CACNA1C antisense RNA 1; minus strand). Cytogenetic location: 12p13.33.
Variant type: Microsatellite.
Coding change: c.5445-578_5445-577insGACCCTGTCCCAGCAGGGAAAGGCACGTTCTGGTGTGTG on transcript NM_000719.7 (MANE Select); 578 bases into the intron before coding-DNA position 5445 through 577 bases into the intron before coding-DNA position 5445, GACCCTGTCCCAGCAGGGAAAGGCACGTTCTGGTGTGTG inserted.
Molecular consequence: intron variant.
Genome position: GRCh38: chr12:2,681,967-2,681,972. GRCh37 (hg19): chr12:2,791,133-2,791,138.
Other names: c.5467_5468insGACCCTGTCCCAGCAGGGAAAGGCACGTTCTGGTGTGTG, p.Cys1822_Glu1823insGlyProCysProSerArgGluArgHisValLeuValCys (NM_001129830.3, NM_001167624.3); c.5611_5612insGACCCTGTCCCAGCAGGGAAAGGCACGTTCTGGTGTGTG, p.Cys1870_Glu1871insGlyProCysProSerArgGluArgHisValLeuValCys (NM_199460.4); c.5445-578_5445-577insGACCCTGTCCCAGCAGGGAAAGGCACGTTCTGGTGTGTG (NM_001167623.2, NM_001129840.2, NM_001129842.2 and 2 more transcripts); c.5625-578_5625-577insGACCCTGTCCCAGCAGGGAAAGGCACGTTCTGGTGTGTG (NM_001167625.2); c.5589-578_5589-577insGACCCTGTCCCAGCAGGGAAAGGCACGTTCTGGTGTGTG (NM_001129827.2); c.5505-578_5505-577insGACCCTGTCCCAGCAGGGAAAGGCACGTTCTGGTGTGTG (NM_001129832.2); c.5529-578_5529-577insGACCCTGTCCCAGCAGGGAAAGGCACGTTCTGGTGTGTG (NM_001129831.2); c.5502-578_5502-577insGACCCTGTCCCAGCAGGGAAAGGCACGTTCTGGTGTGTG (NM_001129833.2, NM_001129834.2, NM_001129835.2); and 6 more.
Identifiers: ClinVar variation 3372774 (VCV003372774.1).

ClinVar aggregate classification (germline): Uncertain significance (1 of 4 stars; one submission).

Submission:

GeneDx
Classification: Uncertain significance. Last evaluated: 2024-04-18. Review status: criteria provided, single submitter. Criteria: GeneDx Variant Classification Process June 2021. Collection method: clinical testing. Allele origin: germline. Affected: yes.
Comment: Not observed at significant frequency in large population cohorts (gnomAD); In-frame insertion of 13 amino acids in a non-repeat region; Has not been previously published as pathogenic or benign to our knowledge; Reported using an alternate transcript of the gene